The following is an entry in ClinVar:

NM_005732.4(RAD50):c.694G>A (p.Ala232Thr)

Gene: RAD50 (RAD50 double strand break repair protein; plus strand). Cytogenetic location: 5q31.1.
Variant type: single nucleotide variant.
Coding change: c.694G>A on transcript NM_005732.4 (MANE Select); coding-DNA position 694, G replaced by A.
Protein change: p.Ala232Thr; replaces alanine 232 with threonine.
Molecular consequence: missense variant.
Genome position (GRCh38, 1-based): chr5:132,580,004, G>A. VCF-style: chr5-132580004-G-A. GRCh37 (hg19) VCF-style: chr5-131915696-G-A.
Other names: short protein forms A232T.
Identifiers: ClinVar variation 826723 (VCV000826723.13), dbSNP rs1364740686, ClinGen allele CA360936633.

ClinVar aggregate classification (germline): Uncertain significance. Review status: criteria provided, multiple submitters, no conflicts (2 of 4 stars). 2 submissions from 2 submitters: Uncertain significance (2). Last evaluated 2023-10-17.

Conditions:
Hereditary cancer-predisposing syndrome. Also called: Neoplastic Syndromes, Hereditary; Tumor predisposition; Hereditary neoplastic syndrome; Hereditary Cancer Syndrome. Identifiers: Orphanet 140162, MedGen C0027672, MeSH D009386, MONDO:0015356.

Allele frequency attached by ClinVar (database versions not stated): gnomAD exomes below 0.00001; TOPMed below 0.00001.
gnomAD v4.1: 2 of 1,613,362 alleles (0.00012%); highest among the groups gnomAD compares: Non-Finnish European, 0.00017%; no homozygotes.

Submissions (2):

Labcorp Genetics (formerly Invitae), Labcorp
Classification: Uncertain significance for Hereditary cancer-predisposing syndrome. Last evaluated: 2023-10-17. Review status: criteria provided, single submitter. Criteria: Invitae Variant Classification Sherloc (09022015). Collection method: clinical testing. Allele origin: germline.
Comment: This sequence change replaces alanine, which is neutral and non-polar, with threonine, which is neutral and polar, at codon 232 of the RAD50 protein (p.Ala232Thr). This variant is present in population databases (no rsID available, gnomAD 0.0009%). This variant has not been reported in the literature in individuals affected with RAD50-related conditions. ClinVar contains an entry for this variant (Variation ID: 826723). Advanced modeling of protein sequence and biophysical properties (such as structural, functional, and spatial information, amino acid conservation, physicochemical variation, residue mobility, and thermodynamic stability) performed at Invitae indicates that this missense variant is not expected to disrupt RAD50 protein function. In summary, the available evidence is currently insufficient to determine the role of this variant in disease. Therefore, it has been classified as a Variant of Uncertain Significance.

Ambry Genetics
Classification: Uncertain significance for Hereditary cancer-predisposing syndrome. Last evaluated: 2023-04-01. Review status: criteria provided, single submitter. Criteria: Ambry Variant Classification Scheme 2023. Collection method: clinical testing. Allele origin: germline.
Comment: The p.A232T variant (also known as c.694G>A), located in coding exon 5 of the RAD50 gene, results from a G to A substitution at nucleotide position 694. The alanine at codon 232 is replaced by threonine, an amino acid with similar properties. This amino acid position is well conserved in available vertebrate species. In addition, this alteration is predicted to be tolerated by in silico analysis. Since supporting evidence is limited at this time, the clinical significance of this alteration remains unclear.